The following is an entry in ClinVar:

NM_000719.7(CACNA1C):c.5851C>G (p.Pro1951Ala)

Genes: CACNA1C (calcium voltage-gated channel subunit alpha1 C; plus strand), CACNA1C-AS1 (CACNA1C antisense RNA 1; minus strand). Cytogenetic location: 12p13.33.
Variant type: single nucleotide variant.
Coding change: c.5851C>G on transcript NM_000719.7 (MANE Select); coding-DNA position 5851, C replaced by G.
Protein change: p.Pro1951Ala; replaces proline 1951 with alanine.
Molecular consequence: missense variant.
Genome position (GRCh38, 1-based): chr12:2,688,513, C>G. VCF-style: chr12-2688513-C-G. GRCh37 (hg19) VCF-style: chr12-2797679-C-G.
Other names: c.5995C>G, p.Pro1999Ala (NM_001129827.2); c.5974C>G, p.Pro1992Ala (NM_001129829.2); c.5956C>G, p.Pro1986Ala (NM_001129830.3, NM_001167624.3); c.5935C>G, p.Pro1979Ala (NM_001129831.2); c.5911C>G, p.Pro1971Ala (NM_001129832.2); c.5908C>G, p.Pro1970Ala (NM_001129833.2, NM_001129834.2, NM_001129835.2); c.5902C>G, p.Pro1968Ala (NM_001129836.2); c.5875C>G, p.Pro1959Ala (NM_001129837.2, NM_001129838.2); and 6 more; short protein forms P1970A, P1992A, P2011A, P2034A, P1940A, P1957A, P1968A, P1971A.
Identifiers: ClinVar variation 2187871 (VCV002187871.4), dbSNP rs2534828845, ClinGen allele CA383384149.

ClinVar aggregate classification (germline): Uncertain significance (1 of 4 stars; one submission).

Conditions:
Long QT syndrome (LQTS). Identifiers: MedGen C0023976, MeSH D008133, MONDO:0002442. Disease mechanism: loss of function. Inheritance: Various modes of inheritance.

Submission:

Labcorp Genetics (formerly Invitae), Labcorp
Classification: Uncertain significance for Long QT syndrome. Last evaluated: 2022-05-20. Review status: criteria provided, single submitter. Criteria: Invitae Variant Classification Sherloc (09022015). Collection method: clinical testing. Allele origin: germline.
Comment: This variant has not been reported in the literature in individuals affected with CACNA1C-related conditions. This variant is not present in population databases (gnomAD no frequency). This sequence change replaces proline, which is neutral and non-polar, with alanine, which is neutral and non-polar, at codon 1951 of the CACNA1C protein (p.Pro1951Ala). Algorithms developed to predict the effect of missense changes on protein structure and function (SIFT, PolyPhen-2, Align-GVGD) all suggest that this variant is likely to be tolerated. In summary, the available evidence is currently insufficient to determine the role of this variant in disease. Therefore, it has been classified as a Variant of Uncertain Significance.